The following is an entry in ClinVar:

ClinVar aggregate classification (germline): Uncertain significance (1 of 4 stars; one submission).

Conditions:
Charcot-Marie-Tooth disease axonal type 2C (HMSN2C). Also called: CHARCOT-MARIE-TOOTH DISEASE, AXONAL, AUTOSOMAL DOMINANT, TYPE 2C; Charcot-Marie-Tooth Neuropathy Type 2C; Charcot-Marie-Tooth Disease Type 2, TRPV4-Related (CMT2C). Identifiers: Orphanet 99937, MedGen C1853710, MONDO:0011633, OMIM 606071.

gnomAD v4.1: 7 of 1,607,830 alleles (0.00044%); highest among the groups gnomAD compares: Non-Finnish European, 0.00059%; no homozygotes.

Submission:

Labcorp Genetics (formerly Invitae), Labcorp
Classification: Uncertain significance for Charcot-Marie-Tooth disease axonal type 2C. Last evaluated: 2025-09-02. Review status: criteria provided, single submitter. Criteria: Invitae Variant Classification Sherloc (09022015). Collection method: clinical testing. Allele origin: germline.
Comment: This sequence change creates a premature translational stop signal (p.Tyr502*) in the TRPV4 gene. It is expected to result in an absent or disrupted protein product. However, the current clinical and genetic evidence is not sufficient to establish whether loss-of-function variants in TRPV4 cause disease. This variant is not present in population databases (gnomAD no frequency). This variant has not been reported in the literature in individuals affected with TRPV4-related conditions. ClinVar contains an entry for this variant (Variation ID: 3621782). In summary, the available evidence is currently insufficient to determine the role of this variant in disease. Therefore, it has been classified as a Variant of Uncertain Significance.

NM_021625.5(TRPV4):c.1506C>A (p.Tyr502Ter)

Gene: TRPV4 (transient receptor potential cation channel subfamily V member 4; minus strand). Cytogenetic location: 12q24.11.
Variant type: single nucleotide variant.
Coding change: c.1506C>A on transcript NM_021625.5 (MANE Select); coding-DNA position 1506, C replaced by A.
Protein change: p.Tyr502Ter; replaces tyrosine 502 with a stop codon.
Molecular consequence: nonsense.
Genome position (GRCh38, 1-based): chr12:109,794,008, G>T on the plus strand (C>A on the coding strand, the complement: TRPV4 is on the minus strand). VCF-style: chr12-109794008-G-T. GRCh37 (hg19) VCF-style: chr12-110231813-G-T.
Other names: c.1365C>A, p.Tyr455Ter (NM_001177428.2); c.1404C>A, p.Tyr468Ter (NM_001177431.2); c.1185C>A, p.Tyr395Ter (NM_001177433.2); c.1326C>A, p.Tyr442Ter (NM_147204.3); short protein forms Y395*, Y442*, Y455*, Y468*, Y502*.
Identifiers: ClinVar variation 3621782 (VCV003621782.2).